The following is an entry in ClinVar:

NM_000169.3(GLA):c.998A>G (p.Gln333Arg)

Genes: GLA (galactosidase alpha; minus strand), RPL36A-HNRNPH2 (RPL36A-HNRNPH2 readthrough; plus strand). Cytogenetic location: Xq22.1.
Variant type: single nucleotide variant.
Coding change: c.998A>G on transcript NM_000169.3 (MANE Select); coding-DNA position 998, A replaced by G.
Protein change: p.Gln333Arg; replaces glutamine 333 with arginine.
Molecular consequence: missense variant. On other transcripts: non-coding transcript variant (3), intron variant (2).
Genome position (GRCh38, 1-based): chrX:101,398,371, T>C on the plus strand (A>G on the coding strand, the complement: GLA is on the minus strand). VCF-style: chrX-101398371-T-C. GRCh37 (hg19) VCF-style: chrX-100653359-T-C.
Other names: NC_000023.10:g.100653359T>C; c.1121A>G, p.Gln374Arg (NM_001406747.1); c.998A>G, p.Gln333Arg (NM_001406748.1); c.300+2914T>C (NM_001199973.2); c.177+6549T>C (NM_001199974.2); short protein forms Q333R, Q374R.
Identifiers: ClinVar variation 4461159 (VCV004461159.2).
Genomic context (GRCh38, chrX:101,398,371, plus strand): 5'-CCAAGACAAAGTTGGTATTGGGTATATAAAGCCATCTTAAAATATATACTCTTATTTACC[T>C]GTCTAAGCTGGTACCCTTGCTTGCCCAAGGGGTCCTGATTGATGGCAATTACGTCCTTAT-3'
Protein context (NP_000160.1, residues 323-343): PLGKQGYQLR[Gln333Arg]GDNFEVWERP

ClinVar aggregate classification (germline): Uncertain significance (1 of 4 stars; one submission).

Conditions:
Fabry disease. Also called: Fabry's disease; ALPHA-GALACTOSIDASE A DEFICIENCY; ANDERSON-FABRY DISEASE; CERAMIDE TRIHEXOSIDASE DEFICIENCY; GLA DEFICIENCY; HEREDITARY DYSTOPIC LIPIDOSIS. Identifiers: Orphanet 324, MedGen C0002986, MONDO:0010526, OMIM 301500, HP:0001071. Disease mechanism: Fabry disease is due to inactivating mutations in the X-linked GLA gene resulting in deficiency of the enzyme Alpha Galactosidase-A., loss of function.

Submissions (2):

Genomenon, Inc
Classification: Uncertain significance for Fabry disease. Last evaluated: 2026-09-08. Review status: criteria provided, single submitter. Criteria: Genomenon Sequence Variant Interpretation Standards - Updated. Collection method: curation. Allele origin: germline. Affected: no.
Comment: GLA p.Gln333Arg (c.998A>G) is a missense variant that changes the amino acid at codon 333 from Glutamine to Arginine. This variant has been reported in the published literature (PMID:27657681). It is absent or not present at a significant frequency in gnomAD. In silico models predict that this variant is possibly or probably damaging. In conclusion, we classify GLA p.Gln333Arg (c.998A>G) as a variant of uncertain significance.

Dr. Peter K. Rogan Lab, Western University
No classification provided (evidence only). Condition: Thyroid cancer, nonmedullary, 1. Review status: no classification provided. Collection method: in vitro. Allele origin: not applicable. Functional consequence: retained intron. Not counted in ClinVar's aggregate classification.

Literature cited by the submitters: PubMed 27657681 (cited by Genomenon, Inc).